The following is an entry in ClinVar:

ClinVar aggregate classification (germline): Pathogenic. Review status: criteria provided, multiple submitters, no conflicts (2 of 4 stars). 5 submissions from 5 submitters: Pathogenic (5). Last evaluated 2026-09-08.

Conditions:
Fabry disease. Also called: Fabry's disease; HEREDITARY DYSTOPIC LIPIDOSIS; Angiokeratoma corporis diffusum; ALPHA-GALACTOSIDASE A DEFICIENCY; ANDERSON-FABRY DISEASE; CERAMIDE TRIHEXOSIDASE DEFICIENCY. Identifiers: Orphanet 324, MedGen C0002986, MONDO:0010526, OMIM 301500, HP:0001071. Disease mechanism: Fabry disease is due to inactivating mutations in the X-linked GLA gene resulting in deficiency of the enzyme Alpha Galactosidase-A., loss of function.

Submissions (5):

Genomenon, Inc
Classification: Pathogenic for Fabry disease. Last evaluated: 2026-09-08. Review status: criteria provided, single submitter. Criteria: Genomenon Sequence Variant Interpretation Standards - Updated. Collection method: curation. Allele origin: germline. Affected: yes.
Comment: GLA p.Tyr134Ter (c.402T>G) is a nonsense variant that introduces a premature stop codon at amino acid position 134 and is predicted to result in a truncated or absent protein product. This variant has been observed in at least one proband with clinical features consistent with Fabry disease (PMID:30834538;10916280). Functional or patient cell studies have been reported (PMID:30834538;37634127). It is absent or not present at a significant frequency in gnomAD. In conclusion, we classify GLA p.Tyr134Ter (c.402T>G) as a pathogenic variant.

Myriad Genetics, Inc.
Classification: Pathogenic for Fabry disease. Last evaluated: 2025-09-02. Review status: criteria provided, single submitter. Criteria: Myriad Autosomal Dominant, Autosomal Recessive and X-Linked Classification Criteria (2023). Collection method: clinical testing. Allele origin: unknown.
Comment: NM_000169.2(GLA):c.402T>G(Y134*) is a nonsense variant classified as pathogenic in the context of Fabry disease. Y134* has been observed in a case with relevant disease (PMID: 10916280). Relevant functional assessments of this variant are not available in the literature. Y134* has not been observed in referenced population frequency databases. In summary, NM_000169.2(GLA):c.402T>G(Y134*) is a nonsense variant in a gene where loss of function is a known mechanism of disease, is predicted to disrupt protein function, and has been observed more frequently in cases with the relevant disease than in healthy populations. Please note: this variant was assessed in the context of healthy population screening.

Labcorp Genetics (formerly Invitae), Labcorp
Classification: Pathogenic for Fabry disease. Last evaluated: 2024-08-28. Review status: criteria provided, single submitter. Criteria: Invitae Variant Classification Sherloc (09022015). Collection method: clinical testing. Allele origin: germline.
Comment: This sequence change creates a premature translational stop signal (p.Tyr134*) in the GLA gene. It is expected to result in an absent or disrupted protein product. Loss-of-function variants in GLA are known to be pathogenic (PMID: 10666480, 12175777). This variant is not present in population databases (gnomAD no frequency). This premature translational stop signal has been observed in individual(s) with Fabry disease (PMID: 10916280). ClinVar contains an entry for this variant (Variation ID: 620102). For these reasons, this variant has been classified as Pathogenic.

Women's Health and Genetics/Laboratory Corporation of America, LabCorp
Classification: Pathogenic for Fabry disease. Last evaluated: 2023-11-01. Review status: criteria provided, single submitter. Criteria: LabCorp Variant Classification Summary - May 2015. Collection method: clinical testing. Allele origin: germline.
Comment: Variant summary: GLA c.402T>G (p.Tyr134X) results in a premature termination codon, predicted to cause a truncation of the encoded protein or absence of the protein due to nonsense mediated decay, which are commonly known mechanisms for disease. The variant was absent in 183470 control chromosomes (gnomAD). c.402T>G has been reported in the literature in at least one individual affected with the classic form of Fabry Disease (e.g., Ashton-Prolla_2000). These data suggest the variant is very likely to be associated with disease. The following publication was ascertained in the context of this evaluation (PMID: 10916280). One submitter has reported clinical-significance assessments for this variant to ClinVar after 2014 and has classified the variant as pathogenic. Based on the evidence outlined above, the variant was classified as pathogenic.

GeneDx
Classification: Pathogenic. Last evaluated: 2018-07-05. Review status: criteria provided, single submitter. Criteria: GeneDx Variant Classification (06012015). Collection method: clinical testing. Allele origin: germline. Affected: yes.
Comment: The Y134X variant has been reported previously in association with Fabry disease (Ashton-Prolla et al. 2000). The Y134X variant is not observed in large population cohorts (Lek et al., 2016). This nonsense variant is predicted to cause loss of normal protein function either through protein truncation or nonsense-mediated mRNA decay. We interpret this variant as pathogenic.

Literature cited by the submitters: PubMed 30834538 (cited by Genomenon, Inc); PubMed 10916280 (cited by 4 submitters); PubMed 37634127 (cited by Genomenon, Inc); PubMed 10666480 (cited by Labcorp Genetics (formerly Invitae), Labcorp); PubMed 12175777 (cited by Labcorp Genetics (formerly Invitae), Labcorp).

NM_000169.3(GLA):c.402T>G (p.Tyr134Ter)

Genes: GLA (galactosidase alpha; minus strand), RPL36A-HNRNPH2 (RPL36A-HNRNPH2 readthrough; plus strand). Cytogenetic location: Xq22.1.
Variant type: single nucleotide variant.
Coding change: c.402T>G on transcript NM_000169.3 (MANE Select); coding-DNA position 402, T replaced by G.
Protein change: p.Tyr134Ter; replaces tyrosine 134 with a stop codon.
Molecular consequence: nonsense. On other transcripts: non-coding transcript variant (3), intron variant (2).
Genome position (GRCh38, 1-based): chrX:101,401,777, A>C on the plus strand (T>G on the coding strand, the complement: GLA is on the minus strand). VCF-style: chrX-101401777-A-C. GRCh37 (hg19) VCF-style: chrX-100656765-A-C.
Other names: c.525T>G, p.Tyr175Ter (NM_001406747.1, NM_001406749.1); c.402T>G, p.Tyr134Ter (NM_001406748.1); c.300+6320A>C (NM_001199973.2); c.177+9955A>C (NM_001199974.2); short protein forms Y134*, Y175*.
Identifiers: ClinVar variation 620102 (VCV000620102.8), dbSNP rs1183869568, ClinGen allele CA413930599.
Genomic context (GRCh38, chrX:101,401,777, plus strand): 5'-AATGTCGTAGTATCCAAAACTCCCAGGGAAGCCTGCGCAGGTTTTATTTCCAACATCTGC[A>C]TAAATCCCTAGCTTCAGTCCTTTGCTGTGAACCTGAAATGAGAGGGAGGAAAAGAGTCAC-3'